The following is an entry in ClinVar:

NM_006180.6(NTRK2):c.572T>C (p.Ile191Thr)

Gene: NTRK2 (neurotrophic receptor tyrosine kinase 2; plus strand). Cytogenetic location: 9q21.33.
Variant type: single nucleotide variant.
Coding change: c.572T>C on transcript NM_006180.6 (MANE Select); coding-DNA position 572, T replaced by C.
Protein change: p.Ile191Thr; replaces isoleucine 191 with threonine.
Molecular consequence: missense variant.
Genome position (GRCh38, 1-based): chr9:84,710,780, T>C. VCF-style: chr9-84710780-T-C. GRCh37 (hg19) VCF-style: chr9-87325695-T-C.
Other names: c.572T>C, p.Ile191Thr (NM_001369537.1, NM_001369538.1, NM_001369539.1 and 18 more transcripts); c.104T>C, p.Ile35Thr (NM_001369550.1, NM_001369551.1, NM_001369552.1 and 2 more transcripts); short protein forms I191T, I35T.
Identifiers: ClinVar variation 3348356 (VCV003348356.1).

ClinVar aggregate classification (germline): Uncertain significance (0 of 4 stars; one submission).

Conditions:
NTRK2-related disorder. Also called: NTRK2-related condition.

Submission:

PreventionGenetics, part of Exact Sciences
Classification: Uncertain significance for NTRK2-related condition. Last evaluated: 2023-10-30. Review status: no assertion criteria provided. Collection method: clinical testing. Allele origin: germline.
Comment: The NTRK2 c.572T>C variant is predicted to result in the amino acid substitution p.Ile191Thr. To our knowledge, this variant has not been reported in the literature or in a large population database, indicating this variant is rare. At this time, the clinical significance of this variant is uncertain due to the absence of conclusive functional and genetic evidence.